The following is an entry in ClinVar:

NM_032776.3(JMJD1C):c.82T>G (p.Trp28Gly)

Genes: JMJD1C (jumonji domain containing 1C; minus strand), JMJD1C-AS1 (JMJD1C antisense RNA 1; plus strand). Cytogenetic location: 10q21.3.
Variant type: single nucleotide variant.
Coding change: c.82T>G on transcript NM_032776.3 (MANE Select); coding-DNA position 82, T replaced by G.
Protein change: p.Trp28Gly; replaces tryptophan 28 with glycine.
Molecular consequence: missense variant. On other transcripts: non-coding transcript variant (1), intron variant (2).
Genome position (GRCh38, 1-based): chr10:63,465,581, A>C on the plus strand (T>G on the coding strand, the complement: JMJD1C is on the minus strand). VCF-style: chr10-63465581-A-C. GRCh37 (hg19) VCF-style: chr10-65225341-A-C.
Other names: c.82T>G, p.Trp28Gly (NM_001322252.2); c.-384+56157T>G (NM_001322258.2); c.-379+56157T>G (NM_001318154.2); short protein forms W28G.
Identifiers: ClinVar variation 3678808 (VCV003678808.2).

ClinVar aggregate classification (germline): Uncertain significance (1 of 4 stars; one submission).

Conditions:
Early Myoclonic Encephalopathy. Identifiers: MedGen C0270855.

Submission:

Labcorp Genetics (formerly Invitae), Labcorp
Classification: Uncertain significance for Early Myoclonic Encephalopathy. Last evaluated: 2024-12-16. Review status: criteria provided, single submitter. Criteria: Invitae Variant Classification Sherloc (09022015). Collection method: clinical testing. Allele origin: germline.
Comment: This sequence change replaces tryptophan, which is neutral and slightly polar, with glycine, which is neutral and non-polar, at codon 28 of the JMJD1C protein (p.Trp28Gly). This variant is not present in population databases (gnomAD no frequency). This variant has not been reported in the literature in individuals affected with JMJD1C-related conditions. An algorithm developed to predict the effect of missense changes on protein structure and function (PolyPhen-2) suggests that this variant is likely to be tolerated. In summary, the available evidence is currently insufficient to determine the role of this variant in disease. Therefore, it has been classified as a Variant of Uncertain Significance.